The following is an entry in ClinVar:

NM_000321.3(RB1):c.1346dup (p.Val450fs)

Gene: RB1 (RB transcriptional corepressor 1; plus strand). Cytogenetic location: 13q14.2.
Variant type: Duplication.
Coding change: c.1346dup on transcript NM_000321.3 (MANE Select); coding-DNA position 1346, one base duplicated (G; older notation c.1346dupG).
Protein change: p.Val450fs; shifts the reading frame from valine 450.
Molecular consequence: frameshift variant.
Genome position (GRCh38, 1-based): chr13:48,379,607, G duplicated; the last of 2 consecutive G bases (chr13:48,379,606-48,379,607); duplicating either gives the same sequence. VCF-style (leftmost placement, unchanged base first): chr13-48379605-T-TG. GRCh37 (hg19) VCF-style: chr13-48953741-T-TG.
Other names: short protein forms V450fs.
Identifiers: ClinVar variation 849175 (VCV000849175.7), dbSNP rs1948513922, ClinGen allele CA916081692.

ClinVar aggregate classification (germline): Pathogenic (1 of 4 stars; one submission).

Conditions:
Retinoblastoma (RB1). Also called: RETINOBLASTOMA, SOMATIC. Identifiers: Orphanet 790, MedGen C0035335, MeSH D012175, MONDO:0008380, OMIM 180200, HP:0009919. Disease mechanism: loss of function. Inheritance: Both sporadic and heritable forms are tested..

Submission:

Labcorp Genetics (formerly Invitae), Labcorp
Classification: Pathogenic for Retinoblastoma. Last evaluated: 2019-04-09. Review status: criteria provided, single submitter. Criteria: Invitae Variant Classification Sherloc (09022015). Collection method: clinical testing. Allele origin: germline.
Comment: For these reasons, this variant has been classified as Pathogenic. Loss-of-function variants in RB1 are known to be pathogenic (PMID: 17096365). This variant has not been reported in the literature in individuals with RB1-related conditions. This variant is not present in population databases (ExAC no frequency). This sequence change creates a premature translational stop signal (p.Val450Serfs*13) in the RB1 gene. It is expected to result in an absent or disrupted protein product.

Literature cited by the submitters: PubMed 17096365.